The following is an entry in ClinVar:

Single allele

Genes: ARR3 (arrestin 3; plus strand), AWAT1 (acyl-CoA wax alcohol acyltransferase 1; plus strand), P2RY4 (pyrimidinergic receptor P2Y4; minus strand), PDZD11 (PDZ domain containing 11; minus strand), RAB41 (RAB41, member RAS oncogene family; plus strand). Cytogenetic location: Xq13.1.
Variant type: Duplication.
Identifiers: ClinVar variation 560091 (VCV000560091.3).

ClinVar aggregate classification (germline): Uncertain significance (1 of 4 stars; one submission).

Submission:

Geisinger Autism and Developmental Medicine Institute, Geisinger Health System
Classification: Uncertain significance. Last evaluated: 2018-04-13. Review status: criteria provided, single submitter. Criteria: ACMG CNV Guidelines, 2011. Collection method: provider interpretation. Allele origin: maternal.